The following is an entry in ClinVar:

NM_001229.5(CASP9):c.130C>G (p.Gln44Glu)

Gene: CASP9 (caspase 9; minus strand). Cytogenetic location: 1p36.21.
Variant type: single nucleotide variant.
Coding change: c.130C>G on transcript NM_001229.5 (MANE Select); coding-DNA position 130, C replaced by G.
Protein change: p.Gln44Glu; replaces glutamine 44 with glutamic acid.
Molecular consequence: missense variant. On other transcripts: non-coding transcript variant (2), intron variant (1).
Genome position (GRCh38, 1-based): chr1:15,524,071, G>C on the plus strand (C>G on the coding strand, the complement: CASP9 is on the minus strand). VCF-style: chr1-15524071-G-C. GRCh37 (hg19) VCF-style: chr1-15850566-G-C.
Other names: c.130C>G, p.Gln44Glu (NM_001278054.2); c.-118+512C>G (NM_032996.3); short protein forms Q44E.
Identifiers: ClinVar variation 3050328 (VCV003050328.2), dbSNP rs201250353, ClinGen allele CA614728.

ClinVar aggregate classification (germline): Benign (0 of 4 stars; one submission).

Conditions:
CASP9-related disorder. Also called: CASP9-related condition.

Allele frequency attached by ClinVar (database versions not stated): TOPMed 0.00025; gnomAD 0.00029; ESP Exome Variant Server 0.00041; ExAC 0.00122.

Submission:

PreventionGenetics, part of Exact Sciences
Classification: Benign for CASP9-related condition. Last evaluated: 2019-07-12. Review status: no assertion criteria provided. Collection method: clinical testing. Allele origin: germline.
Comment: This variant is classified as benign based on ACMG/AMP sequence variant interpretation guidelines (Richards et al. 2015 PMID: 25741868, with internal and published modifications).